The following is an entry in ClinVar:

ClinVar aggregate classification (germline): Uncertain significance. Review status: criteria provided, single submitter (1 of 4 stars). 2 submissions from 2 submitters: Uncertain significance (1). 1 of the submissions does not count toward it. Last evaluated 2026-01-16.

Conditions:
APC-related disorder. Also called: APC-related condition.
Familial adenomatous polyposis 1 (FAP1). Also called: FAMILIAL ADENOMATOUS POLYPOSIS 1, ATTENUATED; POLYPOSIS, ADENOMATOUS INTESTINAL. Identifiers: MedGen C2713442, MONDO:0021056, OMIM 175100. Disease mechanism: loss of function.

Allele frequency attached by ClinVar (database versions not stated): gnomAD 0.00002; TOPMed 0.00001.

Submissions (2):

Labcorp Genetics (formerly Invitae), Labcorp
Classification: Uncertain significance for Familial adenomatous polyposis 1. Last evaluated: 2026-01-16. Review status: criteria provided, single submitter. Criteria: Invitae Variant Classification Sherloc (09022015). Collection method: clinical testing. Allele origin: germline.
Comment: This variant occurs in a non-coding region of the APC gene. It does not change the encoded amino acid sequence of the APC protein. This variant is not present in population databases (gnomAD no frequency). This variant has not been reported in the literature in individuals affected with APC-related conditions. ClinVar contains an entry for this variant (Variation ID: 469824). Experimental studies and prediction algorithms are not available or were not evaluated, and the functional significance of this variant is currently unknown. In summary, the available evidence is currently insufficient to determine the role of this variant in disease. Therefore, it has been classified as a Variant of Uncertain Significance.

PreventionGenetics, part of Exact Sciences
Classification: Likely benign for APC-related condition. Last evaluated: 2024-06-17. Review status: no assertion criteria provided. Collection method: clinical testing. Allele origin: germline. Not counted in ClinVar's aggregate classification.
Comment: This variant is classified as likely benign based on ACMG/AMP sequence variant interpretation guidelines (Richards et al. 2015 PMID: 25741868, with internal and published modifications).

NM_001127511.3(APC):c.-121G>C

Gene: APC (APC regulator of Wnt signaling pathway; plus strand). Cytogenetic location: 5q22.2.
Variant type: single nucleotide variant.
Coding change: c.-121G>C on transcript NM_001127511.3; 121 bases upstream of the start codon, G replaced by C.
Molecular consequence: 5 prime UTR variant. On other transcripts: non-coding transcript variant (2).
Genome position (GRCh38, 1-based): chr5:112,707,597, G>C. VCF-style: chr5-112707597-G-C. GRCh37 (hg19) VCF-style: chr5-112043294-G-C.
Other names: c.-304G>C (NM_001354895.2, NM_001407447.1, NM_001407452.1 and 3 more transcripts); c.-121G>C (NM_001354897.2, NM_001354902.2, NM_001407446.1); c.-71G>C (NM_001407448.1, NM_001407450.1, NM_001407457.1 and 1 more transcripts); c.-95G>C (NM_001407453.1); c.-1339G>C (NM_001407470.1, NM_001407472.1).
Identifiers: ClinVar variation 469824 (VCV000469824.11), dbSNP rs1173776603, ClinGen allele CA658655895.